The following is an entry in ClinVar:

ClinVar aggregate classification (germline): Uncertain significance (1 of 4 stars; one submission).

Conditions:
Cardiovascular phenotype. Identifiers: MedGen CN230736.

gnomAD v4.1: 1 of 1,614,048 alleles (0.000062%); highest among the groups gnomAD compares: South Asian, 0.0011%; no homozygotes.

Submission:

Ambry Genetics
Classification: Uncertain significance for Cardiovascular phenotype. Last evaluated: 2025-08-15. Review status: criteria provided, single submitter. Criteria: Ambry Variant Classification Scheme 2023. Collection method: clinical testing. Allele origin: germline.
Comment: The p.H49Q variant (also known as c.147T>A), located in coding exon 2 of the SPRED1 gene, results from a T to A substitution at nucleotide position 147. The histidine at codon 49 is replaced by glutamine, an amino acid with highly similar properties. This amino acid position is conserved. In addition, this alteration is predicted to be tolerated by in silico analysis. Based on the available evidence, the clinical significance of this variant remains unclear.

NM_152594.3(SPRED1):c.147T>A (p.His49Gln)

Gene: SPRED1 (sprouty related EVH1 domain containing 1; plus strand). Cytogenetic location: 15q14.
Variant type: single nucleotide variant.
Coding change: c.147T>A on transcript NM_152594.3 (MANE Select); coding-DNA position 147, T replaced by A.
Protein change: p.His49Gln; replaces histidine 49 with glutamine.
Molecular consequence: missense variant.
Genome position (GRCh38, 1-based): chr15:38,299,487, T>A. VCF-style: chr15-38299487-T-A. GRCh37 (hg19) VCF-style: chr15-38591688-T-A.
Other names: short protein forms H49Q.
Identifiers: ClinVar variation 4174047 (VCV004174047.1).